The following is an entry in ClinVar:

ClinVar aggregate classification (germline): Likely pathogenic (1 of 4 stars; one submission).

Conditions:
Ciliopathy. Also called: Ciliopathies. Identifiers: Orphanet 363250, MedGen C4277690, MONDO:0005308, MeSH D000072661.

Submission:

Broad Center for Mendelian Genomics, Broad Institute of MIT and Harvard
Classification: Likely pathogenic for Ciliopathy. Last evaluated: 2024-03-13. Review status: criteria provided, single submitter. Criteria: ACMG Guidelines, 2015. Collection method: curation. Allele origin: germline. Inheritance: Autosomal recessive inheritance.
Comment: Trio genome analysis revealed that this variant was in trans with a variant of uncertain significance (ClinVar Variation ID: 381892). We believe this is a phenotype expansion for CEP83-related disorders. The p.Glu530Ter variant in CEP83 has not been previously reported in individuals with nephronophthisis 18. This variant was absent from large population studies. This nonsense variant leads to a premature termination codon at position 530, which is predicted to lead to a truncated or absent protein. Loss of function of the CEP83 gene is an established disease mechanism in autosomal recessive nephronophthisis 18. In summary, although additional studies are required to fully establish its clinical significance, this variant is likely pathogenic for autosomal recessive nephronophthisis 18. ACMG/AMP Criteria applied: PVS1, PM2_Supporting (Richards 2015).

Literature cited by the submitters: PubMed 39033378.

NM_016122.3(CEP83):c.1588G>T (p.Glu530Ter)

Gene: CEP83 (centrosomal protein 83; minus strand). Cytogenetic location: 12q22.
Variant type: single nucleotide variant.
Coding change: c.1588G>T on transcript NM_016122.3 (MANE Select); coding-DNA position 1588, G replaced by T.
Protein change: p.Glu530Ter; replaces glutamic acid 530 with a stop codon.
Molecular consequence: nonsense. On other transcripts: non-coding transcript variant (2).
Genome position (GRCh38, 1-based): chr12:94,331,819, C>A on the plus strand (G>T on the coding strand, the complement: CEP83 is on the minus strand). VCF-style: chr12-94331819-C-A. GRCh37 (hg19) VCF-style: chr12-94725595-C-A.
Other names: NM_001346459.2:c.1276G>T; c.1588G>T, p.Glu530Ter (NM_001042399.2, NM_001346457.2, NM_001368037.1 and 1 more transcripts); c.1276G>T, p.Glu426Ter (NM_001346458.2, NM_001346459.2, NM_001368039.1 and 1 more transcripts); c.1363G>T, p.Glu455Ter (NM_001368041.1); short protein forms E426*, E455*, E530*.
Identifiers: ClinVar variation 3061837 (VCV003061837.1), dbSNP rs2541287399, ClinGen allele CA386143755.